The following is an entry in ClinVar:

NM_000182.5(HADHA):c.1793_1794del (p.His598fs)

Genes: GAREM2 (GRB2 associated regulator of MAPK1 subtype 2; plus strand), HADHA (hydroxyacyl-CoA dehydrogenase trifunctional multienzyme complex subunit alpha; minus strand). Cytogenetic location: 2p23.3.
Variant type: Deletion.
Coding change: c.1793_1794del on transcript NM_000182.5 (MANE Select); coding-DNA positions 1793 to 1794, 2 bases deleted (AT; older notation c.1793_1794delAT).
Protein change: p.His598fs; shifts the reading frame from histidine 598.
Molecular consequence: frameshift variant.
Genome position (GRCh38, 1-based): chr2:26,193,668-26,193,669, AT deleted on the plus strand (AT on the coding strand, the reverse complement: HADHA is on the minus strand). VCF-style (leftmost placement, unchanged base first): chr2-26193667-CAT-C. GRCh37 (hg19) VCF-style: chr2-26416536-CAT-C.
Other names: p.His598Argfs*33; c.1793_1794delAT (NM_000182.5); c.1793_1794del (NM_000182.4); short protein forms H598fs.
Identifiers: ClinVar variation 188962 (VCV000188962.27), dbSNP rs769580842, ClinGen allele CA199104.
Genomic context (GRCh38, chr2:26,193,667, plus strand): 5'-GCAGTTCTGGGTTTCCACCTCCAAACCGCTCCCCAAAGACTTTGCCCAGATCTTCCGCCA[CAT>C]GTTTCGCTACATCCACACCAACTTCATCCACCAGTGTGGCGGCACCCACAGGAAAGCCAA-3'

ClinVar aggregate classification (germline): Pathogenic/Likely pathogenic. Review status: criteria provided, multiple submitters, no conflicts (2 of 4 stars). 11 submissions from 11 submitters: Pathogenic (9); Likely pathogenic (1). 1 of the submissions does not count toward it. Last evaluated 2025-12-24.

Conditions:
Mitochondrial trifunctional protein deficiency 1 (MTPD1). Identifiers: MedGen CN376812, MONDO:0958181, OMIM 609015.
Long chain 3-hydroxyacyl-CoA dehydrogenase deficiency. Also called: LCHAD Deficiency; Deficiency of long-chain 3-hydroxyacyl-coenzyme A dehydrogenase. Identifiers: Orphanet 5, MedGen C3711645, MONDO:0012173, OMIM 609016.
Mitochondrial trifunctional protein deficiency. Identifiers: Orphanet 746, MedGen C1969443, MONDO:0012172.

Allele frequency attached by ClinVar (database versions not stated): ExAC 0.00002; gnomAD 0.00003 and 0.00004; gnomAD exomes 0.00003; TOPMed 0.00003; ESP Exome Variant Server 0.00008.

Submissions (11):

Labcorp Genetics (formerly Invitae), Labcorp
Classification: Pathogenic for Mitochondrial trifunctional protein deficiency; Long chain 3-hydroxyacyl-CoA dehydrogenase deficiency. Last evaluated: 2025-12-24. Review status: criteria provided, single submitter. Criteria: Invitae Variant Classification Sherloc (09022015). Collection method: clinical testing. Allele origin: germline.
Comment: This sequence change creates a premature translational stop signal (p.His598Argfs*33) in the HADHA gene. It is expected to result in an absent or disrupted protein product. Loss-of-function variants in HADHA are known to be pathogenic (PMID: 7738175, 21103935, 21549624, 22459206). This variant is present in population databases (rs769580842, gnomAD 0.01%). This premature translational stop signal has been observed in individual(s) with mitochondrial trifunctional protein deficiency (PMID: 11855930). This variant is also known as 1793-94delAT, R593ter. ClinVar contains an entry for this variant (Variation ID: 188962). For these reasons, this variant has been classified as Pathogenic.

Natera, Inc.
Classification: Pathogenic for Deficiency of long-chain 3-hydroxyacyl-coenzyme A dehydrogenase. Last evaluated: 2025-12-21. Review status: criteria provided, single submitter. Criteria: Natera Variant Classification Schema (03/2026). Collection method: clinical testing. Allele origin: germline.
Comment: The c.1793_1794delAT variant in HADHA is a frameshift variant predicted to shift the reading frame beginning at codon 598 and leads to a stop codon 33 codons downstream. This variant is expected to result in nonsense mediated decay, truncation, or a dysfunctional protein product. This variant is rare in the general population with a frequency below the threshold expected for the associated phenotype(s). This variant has been observed in one or more individuals affected with the associated recessive disease, as either homozygous or compound heterozygous with a second variant (PMID: 11855930). Given the available evidence, this variant is classified as Pathogenic.

Genomic Medicine Center of Excellence, King Faisal Specialist Hospital and Research Centre
Classification: Pathogenic for Mitochondrial trifunctional protein deficiency 1. Last evaluated: 2024-12-18. Review status: criteria provided, single submitter. Criteria: ACMG Guidelines, 2015. Collection method: clinical testing. Allele origin: germline.

Baylor Genetics
Classification: Pathogenic for Long chain 3-hydroxyacyl-CoA dehydrogenase deficiency. Last evaluated: 2024-03-26. Review status: criteria provided, single submitter. Criteria: ACMG Guidelines, 2015. Collection method: clinical testing. Allele origin: unknown.

Fulgent Genetics
Classification: Pathogenic for Mitochondrial trifunctional protein deficiency 1; Long chain 3-hydroxyacyl-CoA dehydrogenase deficiency. Last evaluated: 2024-01-08. Review status: criteria provided, single submitter. Criteria: ACMG Guidelines, 2015. Collection method: clinical testing. Allele origin: germline.

New York Genome Center
Classification: Pathogenic for Mitochondrial trifunctional protein deficiency 1; Long chain 3-hydroxyacyl-CoA dehydrogenase deficiency. Last evaluated: 2022-09-23. Review status: criteria provided, single submitter. Criteria: NYGC Assertion Criteria 2020. Collection method: clinical testing. Allele origin: inherited. Affected: yes. Observed: 1 homozygote. Study: PrenatalSEQ.
Comment: The homozygous c.1793_1794del, p.(His598ArgfsTer33) variant identified in the HADHA gene is a deletion of two nucleotides in exon# 17 of this 20-exon gene which alters the wild-type translational reading frame and is predicted to cause loss of normal protein function either through protein truncation or nonsense-mediated mRNA decay. This variant is found with low frequency in population databases gnomADv2.1.1, gnomADv3.1.2, TOPMed Freeze 8 (21 out of 590,312 heterozygous alleles, no homozygotes) suggesting it is not a common benign variant in the populations represented in those databases. This variant is reported as Pathogenic / Likely Pathogenic in ClinVar (Variation ID: 188962) and has been reported as homozygous in at least two unrelated infants affected with HADHA-related disorders [PMID: 29519241, 11855930]; Given its deleterious nature, low frequency in population databases, and prior observation as homozygous in apparently unrelated affected neonates in the literature, the homozygous c.1793_1794del, p.(His598ArgfsTer33) variant identified in the HADHA gene is reported here as Pathogenic.

Mayo Clinic Laboratories, Mayo Clinic
Classification: Likely pathogenic. Last evaluated: 2022-02-01. Review status: criteria provided, single submitter. Criteria: ACMG Guidelines, 2015. Collection method: clinical testing. Allele origin: germline. Observed: 1 variant allele.
Comment: PM2, PS3_supporting, PVS1

Women's Health and Genetics/Laboratory Corporation of America, LabCorp
Classification: Pathogenic for Mitochondrial trifunctional protein deficiency. Last evaluated: 2021-10-17. Review status: criteria provided, single submitter. Criteria: LabCorp Variant Classification Summary - May 2015. Collection method: clinical testing. Allele origin: germline.
Comment: Variant summary: HADHA c.1793_1794delAT (p.His598ArgfsX33) results in a premature termination codon, predicted to cause a truncation of the encoded protein or absence of the protein due to nonsense mediated decay, which are commonly known mechanisms for disease. Truncations downstream of this position have been classified as pathogenic by our laboratory. The variant allele was found at a frequency of 2.8e-05 in 251486 control chromosomes (gnomAD). c.1793_1794delAT has been reported in the literature in individuals affected with Mitochondrial trifunctional protein deficiency (MTFP); in a homozygous patient with maternal uniparental disomy for chromosome 2 (Hintz 2002, Spiekerkoetter 2002) and in two other patients, where one of them was a confirmed homozygote (Lee 2003, Kang 2018). These data indicate that the variant is likely to be associated with disease. At least one publication reports experimental evidence evaluating an impact on enzyme activity in cultured fibroblasts which revealed marked deficiencies in both LCHAD and LKAT activities, consistent with complete TFP deficiency. Acylcarnitine analysis of a blood spot from the original newborn screening card was also consistent with the established diagnosis (Hintz 2002). Two clinical diagnostic laboratories have submitted clinical-significance assessments for this variant to ClinVar after 2014 and classified the variant as pathogenic. Based on the evidence outlined above, the variant was classified as pathogenic.

GeneDx
Classification: Pathogenic. Last evaluated: 2020-04-09. Review status: criteria provided, single submitter. Criteria: GeneDx Variant Classification Process June 2021. Collection method: clinical testing. Allele origin: germline. Affected: yes.
Comment: Frameshift variant predicted to result in protein truncation or nonsense mediated decay in a gene for which loss-of-function is a known mechanism of disease; Not observed at a significant frequency in large population cohorts (gnomAD); This variant is associated with the following publications: (PMID: 11855930, 29519241, 31980526, 12442268, 12971428, 31589614, 32778825)

Juno Genomics, Hangzhou Juno Genomics, Inc
Classification: Pathogenic for Mitochondrial trifunctional protein deficiency 1; Long chain 3-hydroxyacyl-CoA dehydrogenase deficiency. Review status: criteria provided, single submitter. Criteria: ACMG Guidelines, 2015. Collection method: clinical testing. Allele origin: germline.
Comment: Absent from controls (or at extremely low frequency if recessive) in Genome Aggregation Database.;Null variant in a gene where loss of function (LOF) is a known mechanism of disease.;For recessive disorders, detected in trans with a pathogenic variant.

Counsyl
Classification: Likely pathogenic for Long-chain 3-hydroxyacyl-CoA dehydrogenase deficiency. Last evaluated: 2014-09-10. Review status: no assertion criteria provided. Collection method: literature only. Allele origin: unknown. Inheritance: Autosomal recessive inheritance. Not counted in ClinVar's aggregate classification.

Literature cited by the submitters: PubMed 7738175 (cited by Labcorp Genetics (formerly Invitae), Labcorp); PubMed 21103935 (cited by Labcorp Genetics (formerly Invitae), Labcorp); PubMed 21549624 (cited by Labcorp Genetics (formerly Invitae), Labcorp); PubMed 22459206 (cited by Labcorp Genetics (formerly Invitae), Labcorp); PubMed 11855930 (cited by 6 submitters); PubMed 29519241 (cited by 3 submitters); PubMed 12971428 (cited by 3 submitters); PubMed 12442268 (cited by Women's Health and Genetics/Laboratory Corporation of America, LabCorp and Counsyl); PubMed 32778825 (cited by Women's Health and Genetics/Laboratory Corporation of America, LabCorp); PubMed 31980526 (cited by Women's Health and Genetics/Laboratory Corporation of America, LabCorp); PubMed 31589614 (cited by Women's Health and Genetics/Laboratory Corporation of America, LabCorp).